The following is an entry in ClinVar:

ClinVar aggregate classification (germline): Likely pathogenic (1 of 4 stars; one submission).

Conditions:
Multiple congenital exostosis (EXT). Also called: Multiple exostoses; MULTIPLE CARTILAGINOUS EXOSTOSES; Multiple osteochondromas; Hereditary multiple osteochondromas; Hereditary multiple exostoses; Hereditary multiple exostosis. Identifiers: Orphanet 321, MedGen C0015306, MONDO:0005508, HP:0002762.

Submission:

Labcorp Genetics (formerly Invitae), Labcorp
Classification: Likely pathogenic for Multiple congenital exostosis. Last evaluated: 2023-04-09. Review status: criteria provided, single submitter. Criteria: Invitae Variant Classification Sherloc (09022015). Collection method: clinical testing. Allele origin: unknown.
Comment: In summary, the currently available evidence indicates that the variant is pathogenic, but additional data are needed to prove that conclusively. Therefore, this variant has been classified as Likely Pathogenic. This variant has not been reported in the literature in individuals affected with EXT1-related conditions. This variant results in a copy number gain of the genomic region encompassing exon(s) 2-7 of the EXT1 gene. While the exact position of this variant cannot be determined from the data, sub-genic copy number gains are generally in tandem (PMID: 25640679). This variant is predicted to be out-of-frame, and may result in an absent or disrupted protein product. Loss-of-function variants in EXT1 are known to be pathogenic (PMID: 10679937, 11391482, 19810120).

Literature cited by the submitters: PubMed 25640679; PubMed 10679937; PubMed 11391482; PubMed 19810120.

NC_000008.10:g.(?_118830654)_(118849460_?)dup

Gene: EXT1 (exostosin glycosyltransferase 1; minus strand). Cytogenetic location: 8q24.11.
Variant type: Duplication.
Identifiers: ClinVar variation 3245407 (VCV003245407.1).